The following is an entry in ClinVar:

ClinVar aggregate classification (germline): Conflicting classifications of pathogenicity. Review status: criteria provided, conflicting classifications (1 of 4 stars). 2 submissions from 2 submitters: Uncertain significance (1); Likely benign (1). Last evaluated 2026-07-07.

Conditions:
Hereditary cancer-predisposing syndrome. Also called: Hereditary Cancer Syndrome; Hereditary neoplastic syndrome; Neoplastic Syndromes, Hereditary; Tumor predisposition. Identifiers: Orphanet 140162, MedGen C0027672, MeSH D009386, MONDO:0015356.
Neuroblastoma, susceptibility to, 3. Also called: ALK-Related Neuroblastic Tumor Susceptibility. Identifiers: Orphanet 635, MedGen C2751681, MONDO:0013083, OMIM 613014.

gnomAD v4.1: 1 of 1,614,078 alleles (0.000062%); highest among the groups gnomAD compares: Non-Finnish European, 0.000085%; no homozygotes.

Submissions (2):

Ambry Genetics
Classification: Likely benign for Hereditary cancer-predisposing syndrome. Last evaluated: 2026-07-07. Review status: criteria provided, single submitter. Criteria: Ambry Variant Classification Scheme 2023. Collection method: clinical testing. Allele origin: germline.

Labcorp Genetics (formerly Invitae), Labcorp
Classification: Uncertain significance for Neuroblastoma, susceptibility to, 3. Last evaluated: 2023-09-27. Review status: criteria provided, single submitter. Criteria: Invitae Variant Classification Sherloc (09022015). Collection method: clinical testing. Allele origin: germline.
Comment: In summary, the available evidence is currently insufficient to determine the role of this variant in disease. Therefore, it has been classified as a Variant of Uncertain Significance. Algorithms developed to predict the effect of missense changes on protein structure and function output the following: SIFT: "Not Available"; PolyPhen-2: "Benign"; Align-GVGD: "Not Available". The serine amino acid residue is found in multiple mammalian species, which suggests that this missense change does not adversely affect protein function. ClinVar contains an entry for this variant (Variation ID: 1756310). This variant has not been reported in the literature in individuals affected with ALK-related conditions. This variant is not present in population databases (gnomAD no frequency). This sequence change replaces asparagine, which is neutral and polar, with serine, which is neutral and polar, at codon 232 of the ALK protein (p.Asn232Ser).

NM_004304.5(ALK):c.695A>G (p.Asn232Ser)

Gene: ALK (ALK receptor tyrosine kinase; minus strand). Cytogenetic location: 2p23.2.
Variant type: single nucleotide variant.
Coding change: c.695A>G on transcript NM_004304.5 (MANE Select); coding-DNA position 695, A replaced by G.
Protein change: p.Asn232Ser; replaces asparagine 232 with serine.
Molecular consequence: missense variant.
Genome position (GRCh38, 1-based): chr2:29,717,670, T>C on the plus strand (A>G on the coding strand, the complement: ALK is on the minus strand). VCF-style: chr2-29717670-T-C. GRCh37 (hg19) VCF-style: chr2-29940536-T-C.
Other names: short protein forms N232S.
Identifiers: ClinVar variation 1756310 (VCV001756310.6), dbSNP rs774904862, ClinGen allele CA346587801.